The following is an entry in ClinVar:

NM_000088.4(COL1A1):c.1886G>C (p.Gly629Ala)

Gene: COL1A1 (collagen type I alpha 1 chain; minus strand). Cytogenetic location: 17q21.33.
Variant type: single nucleotide variant.
Coding change: c.1886G>C on transcript NM_000088.4 (MANE Select); coding-DNA position 1886, G replaced by C.
Protein change: p.Gly629Ala; replaces glycine 629 with alanine.
Molecular consequence: missense variant.
Genome position (GRCh38, 1-based): chr17:50,192,683, C>G on the plus strand (G>C on the coding strand, the complement: COL1A1 is on the minus strand). VCF-style: chr17-50192683-C-G. GRCh37 (hg19) VCF-style: chr17-48270044-C-G.
Other names: short protein forms G629A.
Identifiers: ClinVar variation 4280693 (VCV004280693.1).

ClinVar aggregate classification (germline): Likely pathogenic (1 of 4 stars; one submission).

Conditions:
Osteogenesis imperfecta with normal sclerae, dominant form (OI4). Also called: OSTEOGENESIS IMPERFECTA, TYPE IV, WITH DENTINOGENESIS IMPERFECTA; OSTEOGENESIS IMPERFECTA WITH NORMAL SCLERAE; Osteogenesis imperfecta type 4; Osteogenesis Imperfecta Type IV; Common Variable Osteogenesis Imperfecta with Normal Sclerae. Identifiers: Orphanet 216820, Orphanet 666, MedGen C0268363, MONDO:0008148, OMIM 166220.

Submission:

Laboratory of Genetic Skeletal Anomaly, Seoul National University Children's Hospital
Classification: Likely pathogenic for Osteogenesis imperfecta with normal sclerae, dominant form. Last evaluated: 2025-03-01. Review status: criteria provided, single submitter. Criteria: ACMG Guidelines, 2015. Collection method: research. Allele origin: germline. Affected: yes.
Comment: This variant is a novel variant not previously reported in the literature or population databases. It was classified based on available in silico predictions and absence from gnomAD.